The following is an entry in ClinVar:

ClinVar aggregate classification (germline): Likely benign. Review status: criteria provided, multiple submitters, no conflicts (2 of 4 stars). 3 submissions from 3 submitters: Likely benign (3). Last evaluated 2024-06-26.

Conditions:
Hereditary cancer-predisposing syndrome. Also called: Hereditary neoplastic syndrome; Neoplastic Syndromes, Hereditary; Tumor predisposition; Hereditary Cancer Syndrome. Identifiers: Orphanet 140162, MedGen C0027672, MeSH D009386, MONDO:0015356.
Juvenile polyposis syndrome (JPS). Identifiers: Orphanet 2929, MedGen C0345893, MONDO:0017380, OMIM 174900.
Juvenile polyposis/hereditary hemorrhagic telangiectasia syndrome (JPHT). Also called: Juvenile Polyposis Syndrome / Hereditary Hemorrhagic Telangiectasia (JPS/HHT); JP/HHT SYNDROME; JUVENILE POLYPOSIS WITH HEREDITARY HEMORRHAGIC TELANGIECTASIA; POLYPOSIS, GENERALIZED JUVENILE, WITH PULMONARY ARTERIOVENOUS MALFORMATION; TELANGIECTASIA, HEREDITARY HEMORRHAGIC, WITH JUVENILE POLYPOSIS COLI. Identifiers: Orphanet 2929, MedGen C1832942, MONDO:0008278, OMIM 175050.

Allele frequency attached by ClinVar (database versions not stated): TOPMed below 0.00001.

Submissions (3):

Labcorp Genetics (formerly Invitae), Labcorp
Classification: Likely benign for Juvenile polyposis syndrome. Last evaluated: 2024-06-26. Review status: criteria provided, single submitter. Criteria: Invitae Variant Classification Sherloc (09022015). Collection method: clinical testing. Allele origin: germline.

All of Us Research Program, National Institutes of Health
Classification: Likely benign for Juvenile polyposis/hereditary hemorrhagic telangiectasia syndrome. Last evaluated: 2023-06-26. Review status: criteria provided, single submitter. Criteria: ACMG Guidelines, 2015. Collection method: clinical testing. Allele origin: germline. Inheritance: Autosomal dominant inheritance. Observed: 1 variant allele, 1 heterozygote.
Comment: This study involves interpretation of variants in research participants for the purpose of population health screening. Participant phenotype was not available at the time of variant classification. Additional details can be found in publication PMID: 35346344, PMCID: PMC8962531

Color Diagnostics, LLC DBA Color Health
Classification: Likely benign for Hereditary cancer-predisposing syndrome. Last evaluated: 2023-06-14. Review status: criteria provided, single submitter. Criteria: ACMG Guidelines, 2015. Collection method: clinical testing. Allele origin: germline.

NM_005359.6(SMAD4):c.1140-6C>T

Gene: SMAD4 (SMAD family member 4; plus strand). Cytogenetic location: 18q21.2.
Variant type: single nucleotide variant.
Coding change: c.1140-6C>T on transcript NM_005359.6 (MANE Select); 6 bases into the intron before coding-DNA position 1140, C replaced by T.
Molecular consequence: intron variant.
Genome position (GRCh38, 1-based): chr18:51,067,013, C>T. VCF-style: chr18-51067013-C-T. GRCh37 (hg19) VCF-style: chr18-48593383-C-T.
Identifiers: ClinVar variation 744784 (VCV000744784.13), dbSNP rs1599196889, ClinGen allele CA913188975.